The following is an entry in ClinVar:

NM_007055.4(POLR3A):c.421G>A (p.Gly141Arg)

Genes: POLR3A (RNA polymerase III subunit A; minus strand), LOC126860971 (CDK7 strongly-dependent group 2 enhancer GRCh37_chr10:79784551-79785750; plus strand). Cytogenetic location: 10q22.3.
Variant type: single nucleotide variant.
Coding change: c.421G>A on transcript NM_007055.4 (MANE Select); coding-DNA position 421, G replaced by A.
Protein change: p.Gly141Arg; replaces glycine 141 with arginine.
Molecular consequence: missense variant.
Genome position (GRCh38, 1-based): chr10:78,025,040, C>T on the plus strand (G>A on the coding strand, the complement: POLR3A is on the minus strand). VCF-style: chr10-78025040-C-T. GRCh37 (hg19) VCF-style: chr10-79784798-C-T.
Other names: short protein forms G141R.
Identifiers: ClinVar variation 2640625 (VCV002640625.24), dbSNP rs2493243327, ClinGen allele CA377346884.

ClinVar aggregate classification (germline): Uncertain significance (1 of 4 stars; one submission).

Allele frequency attached by ClinVar (database versions not stated): gnomAD exomes below 0.00001.
gnomAD v4.1: 1 of 1,614,144 alleles (0.000062%); highest among the groups gnomAD compares: Non-Finnish European, 0.000085%; no homozygotes.

Submission:

CeGaT Center for Human Genetics Tuebingen
Classification: Uncertain significance. Last evaluated: 2023-01-01. Review status: criteria provided, single submitter. Criteria: CeGaT Center For Human Genetics Tuebingen Variant Classification Criteria Version 2. Collection method: clinical testing. Allele origin: germline. Affected: yes. Observed: 1 variant allele.
Comment: POLR3A: PM2